The following is an entry in ClinVar:

ClinVar aggregate classification (germline): Likely pathogenic. Review status: criteria provided, multiple submitters, no conflicts (2 of 4 stars). 2 submissions from 2 submitters: Likely pathogenic (2). Last evaluated 2023-12-11.

Conditions:
Primary ciliary dyskinesia 32. Also called: CILIARY DYSKINESIA, PRIMARY, 32, WITHOUT SITUS INVERSUS. Identifiers: Orphanet 244, MedGen C4225311, MONDO:0014657, OMIM 616481.

Submissions (2):

Diagnostics Services (NGS), CSIR - Centre For Cellular And Molecular Biology
Classification: Likely pathogenic for Primary ciliary dyskinesia 32. Last evaluated: 2023-12-11. Review status: criteria provided, single submitter. Criteria: ACMG Guidelines, 2015. Collection method: clinical testing. Allele origin: germline. Affected: yes. Observed: 1 variant allele, 1 homozygote.
Comment: The c.280C>T variant is not present in publicly available population databases like 1000 Genomes, ExAC, EVS, gnomAD, Indian Exome Database or our in-house exome database. This variant has neither been published in literature with RSPH3-related conditions nor reported to clinical databases like ClinVar, Human Genome Mutation Database (HGMD) or OMIM in any affected individuals. In-silico pathogenicity prediction programs like MutationTaster2, CADD, Varsome. Franklin, InterVar etc predicted this variant to be likely deleterious. This variant creates a premature translational stop codon at the 94th amino acid position of the transcript that may either result in translation of a truncated protein or cause nonsense mediated decay of the mRNA.

Neuberg Centre For Genomic Medicine, NCGM
Classification: Likely pathogenic for Primary ciliary dyskinesia 32. Review status: criteria provided, single submitter. Criteria: ACMG Guidelines, 2015. Collection method: clinical testing. Allele origin: germline. Inheritance: Autosomal dominant inheritance. Affected: yes.

NM_031924.8(RSPH3):c.280C>T (p.Gln94Ter)

Gene: RSPH3 (radial spoke head 3; minus strand). Cytogenetic location: 6q25.3.
Variant type: single nucleotide variant.
Coding change: c.280C>T on transcript NM_031924.8 (MANE Select); coding-DNA position 280, C replaced by T.
Protein change: p.Gln94Ter; replaces glutamine 94 with a stop codon.
Molecular consequence: nonsense. On other transcripts: non-coding transcript variant (1), intron variant (1).
Genome position (GRCh38, 1-based): chr6:158,986,346, G>A on the plus strand (C>T on the coding strand, the complement: RSPH3 is on the minus strand). VCF-style: chr6-158986346-G-A. GRCh37 (hg19) VCF-style: chr6-159407378-G-A.
Other names: c.631-3658C>T (NM_001346418.1); short protein forms Q94*.
Identifiers: ClinVar variation 2671830 (VCV002671830.1), dbSNP rs1778238126, ClinGen allele CA366282629.